The following is an entry in ClinVar:

NM_001375808.2(LPIN2):c.562G>A (p.Asp188Asn)

Gene: LPIN2 (lipin 2; minus strand). Cytogenetic location: 18p11.31.
Variant type: single nucleotide variant.
Coding change: c.562G>A on transcript NM_001375808.2 (MANE Select); coding-DNA position 562, G replaced by A.
Protein change: p.Asp188Asn; replaces aspartic acid 188 with asparagine.
Molecular consequence: missense variant.
Genome position (GRCh38, 1-based): chr18:2,951,083, C>T on the plus strand (G>A on the coding strand, the complement: LPIN2 is on the minus strand). VCF-style: chr18-2951083-C-T. GRCh37 (hg19) VCF-style: chr18-2951081-C-T.
Other names: c.562G>A, p.Asp188Asn (NM_001375809.1, NM_014646.2); short protein forms D188N.
Identifiers: ClinVar variation 2721061 (VCV002721061.3), dbSNP rs1270217201, ClinGen allele CA401708801.

ClinVar aggregate classification (germline): Uncertain significance. Review status: criteria provided, multiple submitters, no conflicts (2 of 4 stars). 2 submissions from 2 submitters: Uncertain significance (2). Last evaluated 2025-06-07.

Conditions:
Inborn genetic diseases. Identifiers: MedGen C0950123, MeSH D030342.
Majeed syndrome (MJDS). Also called: CHRONIC RECURRENT MULTIFOCAL OSTEOMYELITIS 1, WITH CONGENITAL DYSERYTHROPOIETIC ANEMIA, WITH OR WITHOUT NEUTROPHILIC DERMATOSIS; LPIN2-Related Majeed Syndrome. Identifiers: Orphanet 77297, MedGen C1864997, MONDO:0012316, OMIM 609628.

Allele frequency attached by ClinVar (database versions not stated): TOPMed 0.00001; gnomAD exomes 0.00002.
gnomAD v4.1: 25 of 1,614,178 alleles (0.0015%); highest among the groups gnomAD compares: Admixed American, 0.0033%; no homozygotes.

Submissions (2):

Ambry Genetics
Classification: Uncertain significance for Inborn genetic diseases. Last evaluated: 2025-06-07. Review status: criteria provided, single submitter. Criteria: Ambry Variant Classification Scheme 2023. Collection method: clinical testing. Allele origin: germline.

Labcorp Genetics (formerly Invitae), Labcorp
Classification: Uncertain significance for Majeed syndrome. Last evaluated: 2023-11-21. Review status: criteria provided, single submitter. Criteria: Invitae Variant Classification Sherloc (09022015). Collection method: clinical testing. Allele origin: germline.
Comment: This sequence change replaces aspartic acid, which is acidic and polar, with asparagine, which is neutral and polar, at codon 188 of the LPIN2 protein (p.Asp188Asn). This variant is present in population databases (no rsID available, gnomAD 0.003%). This variant has not been reported in the literature in individuals affected with LPIN2-related conditions. Advanced modeling of protein sequence and biophysical properties (such as structural, functional, and spatial information, amino acid conservation, physicochemical variation, residue mobility, and thermodynamic stability) performed at Invitae indicates that this missense variant is not expected to disrupt LPIN2 protein function with a negative predictive value of 80%. In summary, the available evidence is currently insufficient to determine the role of this variant in disease. Therefore, it has been classified as a Variant of Uncertain Significance.